The following is an entry in ClinVar:

NM_144670.6(A2ML1):c.1684-47_1724dup

Gene: A2ML1 (alpha-2-macroglobulin like 1; plus strand). Cytogenetic location: 12p13.31.
Variant type: Duplication.
Coding change: c.1684-47_1724dup on transcript NM_144670.6 (MANE Select); 47 bases into the intron before coding-DNA position 1684 through coding-DNA position 1724, 88 bases duplicated.
Molecular consequence: splice acceptor variant.
Genome position (GRCh38, 1-based): chr12:8,847,502-8,847,589, 88 bases duplicated. GRCh37 (hg19): chr12:9,000,098-9,000,185.
Other names: c.211-47_251dup (NM_001282424.3).
Identifiers: ClinVar variation 917827 (VCV000917827.1), dbSNP rs1943731808, ClinGen allele CA1139662504.

ClinVar aggregate classification (germline): Uncertain significance (1 of 4 stars; one submission).

Submission:

Women's Health and Genetics/Laboratory Corporation of America, LabCorp
Classification: Uncertain significance. Last evaluated: 2020-04-27. Review status: criteria provided, single submitter. Criteria: LabCorp Variant Classification Summary - May 2015. Collection method: clinical testing. Allele origin: germline.
Comment: Variant summary: A2ML1 c.1684-47_1724dup88 alters a nucleotide located close to a canonical splice site and therefore could affect mRNA splicing, leading to a significantly altered protein sequence. 4/4 computational tools predict no significant impact on normal splicing. However, these predictions have yet to be confirmed by functional studies. The variant was absent in 188554 control chromosomes. The available data on variant occurrences in the general population are insufficient to allow any conclusion about variant significance. To our knowledge, no occurrence of c.1684-47_1724dup88 in individuals affected with Noonan Syndrome And Related Conditions and no experimental evidence demonstrating its impact on protein function have been reported. No clinical diagnostic laboratories have submitted clinical-significance assessments for this variant to ClinVar after 2014. Based on the evidence outlined above, the variant was classified as uncertain significance.